The following is an entry in ClinVar:

NM_021783.5(EDA2R):c.*97A>T

Gene: EDA2R (ectodysplasin A2 receptor; minus strand). Cytogenetic location: Xq12.
Variant type: single nucleotide variant.
Coding change: c.*97A>T on transcript NM_021783.5 (MANE Select); 97 bases downstream of the stop codon, A replaced by T.
Molecular consequence: 3 prime UTR variant. On other transcripts: stop lost (3), non-coding transcript variant (2).
Genome position (GRCh38, 1-based): chrX:66,598,007, T>A on the plus strand (A>T on the coding strand, the complement: EDA2R is on the minus strand). VCF-style: chrX-66598007-T-A. GRCh37 (hg19) VCF-style: chrX-65817849-T-A.
Other names: c.*97A>T (NM_001199687.3, NM_001242310.1, NM_001324199.2 and 2 more transcripts); c.324A>T, p.Ter108Cys (NM_001324202.2); c.405A>T, p.Ter135Cys (NM_001324204.2); c.399A>T, p.Ter133Cys (NM_001324205.2).
Identifiers: ClinVar variation 2660767 (VCV002660767.24), dbSNP rs756693141, ClinGen allele CA10435955.

ClinVar aggregate classification (germline): Likely benign (1 of 4 stars; one submission).

Allele frequency attached by ClinVar (database versions not stated): gnomAD 0.00006; gnomAD exomes 0.00009; TOPMed 0.00014; ExAC 0.00063.

Submission:

CeGaT Center for Human Genetics Tuebingen
Classification: Likely benign. Last evaluated: 2023-02-01. Review status: criteria provided, single submitter. Criteria: CeGaT Center For Human Genetics Tuebingen Variant Classification Criteria Version 2. Collection method: clinical testing. Allele origin: germline. Affected: yes. Observed: 3 variant alleles.
Comment: EDA2R: BS2